The following is an entry in ClinVar:

NM_000447.3(PSEN2):c.754G>A (p.Ala252Thr)

Gene: PSEN2 (presenilin 2; plus strand). Cytogenetic location: 1q42.13.
Variant type: single nucleotide variant.
Coding change: c.754G>A on transcript NM_000447.3 (MANE Select); coding-DNA position 754, G replaced by A.
Protein change: p.Ala252Thr; replaces alanine 252 with threonine.
Molecular consequence: missense variant.
Genome position (GRCh38, 1-based): chr1:226,889,016, G>A. VCF-style: chr1-226889016-G-A. GRCh37 (hg19) VCF-style: chr1-227076717-G-A.
Other names: c.754G>A, p.Ala252Thr (NM_012486.3); short protein forms A252T.
Identifiers: ClinVar variation 705974 (VCV000705974.14), dbSNP rs138836272, ClinGen allele CA1424624.
Genomic context (GRCh38, chr1:226,889,016, plus strand): 5'-CTCATCATGATCAGTGCGCTCATGGCCCTAGTGTTCATCAAGTACCTCCCAGAGTGGTCC[G>A]CGTGGGTCATCCTGGGCGCCATCTCTGTGTATGGTAGGTGGGCAGCAAGGCTGGTGGGGG-3'
Protein context (NP_000438.2, residues 242-262): VFIKYLPEWS[Ala252Thr]WVILGAISVY

ClinVar aggregate classification (germline): Conflicting classifications of pathogenicity. Review status: criteria provided, conflicting classifications (1 of 4 stars). 5 submissions from 4 submitters: Uncertain significance (1); Benign (1); Likely benign (3). Last evaluated 2025-12-23.

Conditions:
Alzheimer disease 4 (AD4). Identifiers: Orphanet 1020, MedGen C1847200, MONDO:0011743, OMIM 606889.
Dilated cardiomyopathy 1V (CMD1V). Identifiers: Orphanet 154, MedGen C3150958, MONDO:0013373, OMIM 613697.

Allele frequency attached by ClinVar (database versions not stated): gnomAD exomes 0.00019; ExAC 0.00025; gnomAD 0.00041 and 0.00042; ESP Exome Variant Server 0.00046; TOPMed 0.00048; 1000 Genomes Project 0.00060; 1000 Genomes Project 30x 0.00062.
gnomAD v4.1: 191 of 1,614,066 alleles (0.012%); highest among the groups gnomAD compares: African/African-American, 0.15%; no homozygotes.

Submissions (5):

Women's Health and Genetics/Laboratory Corporation of America, LabCorp
Classification: Likely benign. Last evaluated: 2025-12-23. Review status: criteria provided, single submitter. Criteria: LabCorp Variant Classification Summary - May 2015. Collection method: clinical testing. Allele origin: germline.
Comment: Variant summary: PSEN2 c.754G>A (p.Ala252Thr) results in a non-conservative amino acid change in the encoded protein sequence. Algorithms developed to predict the effect of missense changes on protein structure and function all suggest that this variant is likely to be disruptive. The variant allele was found at a frequency of 0.00019 in 250648 control chromosomes, predominantly at a frequency of 0.0014 within the African or African-American subpopulation in the gnomAD database. The observed variant frequency within African or African-American control individuals in the gnomAD database exceeds the estimated maximal expected allele frequency for disease-causing variants in PSEN2. c.754G>A has been observed in an individual(s) affected with Alzheimer Disease as well as unaffected controls (e.g. N'Songo_2017). These reports do not provide unequivocal conclusions about association of the variant with Alzheimer Disease 4. To our knowledge, no experimental evidence demonstrating an impact on protein function has been reported. The following publication has been ascertained in the context of this evaluation (PMID: 28106563). ClinVar contains an entry for this variant (Variation ID: 705974). Based on the evidence outlined above, the variant was classified as likely benign.

ARUP Laboratories, Molecular Genetics and Genomics, ARUP Laboratories
Classification: Likely benign. Last evaluated: 2025-07-10. Review status: criteria provided, single submitter. Criteria: ARUP Molecular Germline Variant Investigation Process 2024. Collection method: clinical testing. Allele origin: germline.

Labcorp Genetics (formerly Invitae), Labcorp
Classification: Likely benign for Alzheimer disease 4. Last evaluated: 2025-03-13. Review status: criteria provided, single submitter. Criteria: Invitae Variant Classification Sherloc (09022015). Collection method: clinical testing. Allele origin: germline.

Illumina Laboratory Services, Illumina
Classification: Uncertain significance for Dilated cardiomyopathy 1V. Last evaluated: 2017-04-27. Review status: criteria provided, single submitter. Criteria: ICSL Variant Classification Criteria 13 December 2019. Collection method: clinical testing. Allele origin: germline.

Illumina Laboratory Services, Illumina
Classification: Benign for Alzheimer disease 4. Last evaluated: 2017-04-27. Review status: criteria provided, single submitter. Criteria: ICSL Variant Classification Criteria 13 December 2019. Collection method: clinical testing. Allele origin: germline.
Comment: This variant was observed as part of a predisposition screen in an ostensibly healthy population. A literature search was performed for the gene, cDNA change, and amino acid change (where applicable). Publications were found based on this search. The evidence from the literature, in combination with allele frequency data from public databases where available, was sufficient to rule this variant out of causing disease. Therefore, this variant is classified as benign.

Literature cited by the submitters: PubMed 28106563 (cited by Women's Health and Genetics/Laboratory Corporation of America, LabCorp); PubMed 20375137 (cited by Illumina Laboratory Services, Illumina); PubMed 18667258 (cited by Illumina Laboratory Services, Illumina).